The following is an entry in ClinVar:

NM_000384.3(APOB):c.5933C>G (p.Thr1978Arg)

Gene: APOB (apolipoprotein B; minus strand). Cytogenetic location: 2p24.1.
Variant type: single nucleotide variant.
Coding change: c.5933C>G on transcript NM_000384.3 (MANE Select); coding-DNA position 5933, C replaced by G.
Protein change: p.Thr1978Arg; replaces threonine 1978 with arginine.
Molecular consequence: missense variant.
Genome position (GRCh38, 1-based): chr2:21,010,935, G>C on the plus strand (C>G on the coding strand, the complement: APOB is on the minus strand). VCF-style: chr2-21010935-G-C. GRCh37 (hg19) VCF-style: chr2-21233807-G-C.
Other names: short protein forms T1978R.
Identifiers: ClinVar variation 4125120 (VCV004125120.1).
Genomic context (GRCh38, chr2:21,010,935, plus strand): 5'-GCATCCAAGTCCTGGCTGTATTCATTGTTGTTAAATTGGGTCTTGAGTTTCCAGGTGCCT[G>C]TCTGCTCAGCTGGAGTAAGCAGGGCACTGACTTTGTGTTCAAGAGCTGCACTGATGCTTT-3'
Protein context (NP_000375.3, residues 1968-1988): VSALLTPAEQ[Thr1978Arg]GTWKLKTQFN

ClinVar aggregate classification (germline): Uncertain significance (1 of 4 stars; one submission).

Conditions:
Cardiovascular phenotype. Identifiers: MedGen CN230736.

gnomAD v4.1: 1 of 1,614,136 alleles (0.000062%); highest among the groups gnomAD compares: Non-Finnish European, 0.000085%; no homozygotes.

Submission:

Ambry Genetics
Classification: Uncertain significance for Cardiovascular phenotype. Last evaluated: 2025-07-29. Review status: criteria provided, single submitter. Criteria: Ambry Variant Classification Scheme 2023. Collection method: clinical testing. Allele origin: germline.
Comment: The p.T1978R variant (also known as c.5933C>G), located in coding exon 26 of the APOB gene, results from a C to G substitution at nucleotide position 5933. The threonine at codon 1978 is replaced by arginine, an amino acid with similar properties. This amino acid position is conserved. In addition, this alteration is predicted to be tolerated by in silico analysis. Based on the available evidence, the clinical significance of this variant remains unclear.